The following is an entry in ClinVar:

NM_002907.4(RECQL):c.867+1G>T

Gene: RECQL (RecQ like helicase; minus strand). Cytogenetic location: 12p12.1.
Variant type: single nucleotide variant.
Coding change: c.867+1G>T on transcript NM_002907.4 (MANE Select); the canonical splice donor site of the intron after coding-DNA position 867, G replaced by T.
Molecular consequence: splice donor variant.
Genome position (GRCh38, 1-based): chr12:21,477,802, C>A on the plus strand (G>T on the coding strand, the complement: RECQL is on the minus strand). VCF-style: chr12-21477802-C-A. GRCh37 (hg19) VCF-style: chr12-21630736-C-A.
Other names: c.867+1G>T (NM_032941.3).
Identifiers: ClinVar variation 4533064 (VCV004533064.1).

ClinVar aggregate classification (germline): Uncertain significance (1 of 4 stars; one submission).

gnomAD v4.1: 11 of 1,602,230 alleles (0.00069%); highest among the groups gnomAD compares: South Asian, 0.0045%; no homozygotes.

Submission:

Quest Diagnostics Nichols Institute San Juan Capistrano
Classification: Uncertain significance. Last evaluated: 2025-06-04. Review status: criteria provided, single submitter. Criteria: Quest Diagnostics criteria. Collection method: clinical testing. Allele origin: unknown.
Comment: The RECQL c.867+1G>T variant disrupts a canonical splice-donor site and is predicted to interfere with normal RECQL mRNA splicing. This variant has been reported in the published literature in an individual with breast cancer (PMID: 27125668 (2018)). The frequency of this variant in the general population (Genome Aggregation Database) is uninformative in the assessment of its pathogenicity. Since the available gene level evidence is currently insufficient to determine the role of this gene and variant in relation to hereditary cancer predisposition (ClinGen Hereditary Cancer Gene Curation Expert Panel), we are unable to determine the clinical significance of this variant.

Literature cited by the submitters: PubMed 27125668.